The following is an entry in ClinVar:

NM_002691.4(POLD1):c.1933G>A (p.Glu645Lys)

Gene: POLD1 (DNA polymerase delta 1, catalytic subunit; plus strand). Cytogenetic location: 19q13.33.
Variant type: single nucleotide variant.
Coding change: c.1933G>A on transcript NM_002691.4 (MANE Select); coding-DNA position 1933, G replaced by A.
Protein change: p.Glu645Lys; replaces glutamic acid 645 with lysine.
Molecular consequence: missense variant. On other transcripts: non-coding transcript variant (1).
Genome position (GRCh38, 1-based): chr19:50,409,162, G>A. VCF-style: chr19-50409162-G-A. GRCh37 (hg19) VCF-style: chr19-50912419-G-A.
Other names: c.1933G>A, p.Glu645Lys (NM_001256849.1); c.2011G>A, p.Glu671Lys (NM_001308632.1); short protein forms E645K, E671K.
Identifiers: ClinVar variation 469227 (VCV000469227.13), dbSNP rs1161281976, ClinGen allele CA406982266.

ClinVar aggregate classification (germline): Conflicting classifications of pathogenicity. Review status: criteria provided, conflicting classifications (1 of 4 stars). 3 submissions from 3 submitters: Uncertain significance (2); Likely benign (1). Last evaluated 2025-08-07.

Conditions:
Hereditary cancer-predisposing syndrome. Also called: Neoplastic Syndromes, Hereditary; Hereditary neoplastic syndrome; Tumor predisposition; Hereditary Cancer Syndrome. Identifiers: Orphanet 140162, MedGen C0027672, MeSH D009386, MONDO:0015356.
POLD1-related polyposis and colorectal cancer syndrome (CRCS10). Also called: Colorectal cancer 10; COLORECTAL CANCER, SUSCEPTIBILITY TO, ON CHROMOSOME 19q; Colorectal cancer, susceptibility to, 10. Identifiers: Orphanet 220460, MedGen C2675481, MONDO:0012953, OMIM 612591.
Mandibular hypoplasia-deafness-progeroid syndrome. Also called: Mandibular hypoplasia, deafness, progeroid features, and lipodystrophy syndrome. Identifiers: Orphanet 363649, MedGen C3715192, MONDO:0014157, OMIM 615381.
Immunodeficiency 120. Identifiers: MedGen C5935622, MONDO:0970994, OMIM 620836.

Allele frequency attached by ClinVar (database versions not stated): gnomAD exomes below 0.00001 and 0.00001; TOPMed 0.00001.
gnomAD v4.1: 7 of 1,613,810 alleles (0.00043%); highest among the groups gnomAD compares: Admixed American, 0.0033%; no homozygotes.

Submissions (3):

Labcorp Genetics (formerly Invitae), Labcorp
Classification: Uncertain significance for POLD1-related polyposis and colorectal cancer syndrome. Last evaluated: 2025-08-07. Review status: criteria provided, single submitter. Criteria: Invitae Variant Classification Sherloc (09022015). Collection method: clinical testing. Allele origin: germline.
Comment: This sequence change replaces glutamic acid, which is acidic and polar, with lysine, which is basic and polar, at codon 645 of the POLD1 protein (p.Glu645Lys). The frequency data for this variant in the population databases is considered unreliable, as metrics indicate poor data quality at this position in the gnomAD database. This variant has not been reported in the literature in individuals affected with POLD1-related conditions. ClinVar contains an entry for this variant (Variation ID: 469227). Invitae Evidence Modeling of protein sequence and biophysical properties (such as structural, functional, and spatial information, amino acid conservation, physicochemical variation, residue mobility, and thermodynamic stability) indicates that this missense variant is not expected to disrupt POLD1 protein function with a negative predictive value of 80%. In summary, the available evidence is currently insufficient to determine the role of this variant in disease. Therefore, it has been classified as a Variant of Uncertain Significance.

Ambry Genetics
Classification: Likely benign for Hereditary cancer-predisposing syndrome. Last evaluated: 2024-03-28. Review status: criteria provided, single submitter. Criteria: Ambry Variant Classification Scheme 2023. Collection method: clinical testing. Allele origin: germline.

Fulgent Genetics
Classification: Uncertain significance for POLD1-related polyposis and colorectal cancer syndrome; Mandibular hypoplasia-deafness-progeroid syndrome; Immunodeficiency 120. Last evaluated: 2023-12-28. Review status: criteria provided, single submitter. Criteria: ACMG Guidelines, 2015. Collection method: clinical testing. Allele origin: germline.